The following is an entry in ClinVar:

NM_001308093.3(GATA4):c.1126G>T (p.Gly376Trp)

Gene: GATA4 (GATA binding protein 4). Cytogenetic location: 8p23.1.
Variant type: single nucleotide variant.
Coding change: c.1126G>T on transcript NM_001308093.3 (MANE Select); coding-DNA position 1126, G replaced by T.
Protein change: p.Gly376Trp; replaces glycine 376 with tryptophan.
Molecular consequence: missense variant.
Genome position (GRCh38, 1-based): chr8:11,757,060, G>T. VCF-style: chr8-11757060-G-T. GRCh37 (hg19) VCF-style: chr8-11614569-G-T.
Other names: c.505G>T, p.Gly169Trp (NM_001308094.2, NM_001374273.1); c.379G>T, p.Gly127Trp (NM_001374274.1); c.1123G>T, p.Gly375Trp (NM_002052.5); short protein forms G375W, G376W, G127W, G169W.
Identifiers: ClinVar variation 1498330 (VCV001498330.8), dbSNP rs149872786, ClinGen allele CA370315467.

ClinVar aggregate classification (germline): Uncertain significance (1 of 4 stars; one submission).

Conditions:
Atrioventricular septal defect 4 (AVSD4). Identifiers: MedGen C3280781, MONDO:0013747, OMIM 614430.

Submission:

Labcorp Genetics (formerly Invitae), Labcorp
Classification: Uncertain significance for Atrioventricular septal defect 4. Last evaluated: 2021-06-13. Review status: criteria provided, single submitter. Criteria: Invitae Variant Classification Sherloc (09022015). Collection method: clinical testing. Allele origin: germline.
Comment: In summary, the available evidence is currently insufficient to determine the role of this variant in disease. Therefore, it has been classified as a Variant of Uncertain Significance. Algorithms developed to predict the effect of missense changes on protein structure and function are either unavailable or do not agree on the potential impact of this missense change (SIFT: "Deleterious"; PolyPhen-2: "Probably Damaging"; Align-GVGD: "Class C15"). This variant has not been reported in the literature in individuals with GATA4-related conditions. This variant is not present in population databases (ExAC no frequency). This sequence change replaces glycine with tryptophan at codon 375 of the GATA4 protein (p.Gly375Trp). The glycine residue is moderately conserved and there is a large physicochemical difference between glycine and tryptophan.